The following is an entry in ClinVar:

NM_004360.5(CDH1):c.2278G>A (p.Gly760Ser)

Gene: CDH1 (cadherin 1; plus strand). Cytogenetic location: 16q22.1.
Variant type: single nucleotide variant.
Coding change: c.2278G>A on transcript NM_004360.5 (MANE Select); coding-DNA position 2278, G replaced by A.
Protein change: p.Gly760Ser; replaces glycine 760 with serine.
Molecular consequence: missense variant.
Genome position (GRCh38, 1-based): chr16:68,828,287, G>A. VCF-style: chr16-68828287-G-A. GRCh37 (hg19) VCF-style: chr16-68862190-G-A.
Other names: c.2095G>A, p.Gly699Ser (NM_001317184.2); c.730G>A, p.Gly244Ser (NM_001317185.2); c.313G>A, p.Gly105Ser (NM_001317186.2); short protein forms G760S, G244S, G105S, G699S.
Identifiers: ClinVar variation 1041474 (VCV001041474.9), dbSNP rs1961382208, ClinGen allele CA396470042.

ClinVar aggregate classification (germline): Uncertain significance (1 of 4 stars; one submission).

Conditions:
Hereditary diffuse gastric adenocarcinoma (HDGC). Also called: DIFFUSE GASTRIC AND LOBULAR BREAST CANCER SYNDROME. Identifiers: Orphanet 26106, MedGen C1708349, MONDO:0007648, OMIM 137215.

Submission:

Labcorp Genetics (formerly Invitae), Labcorp
Classification: Uncertain significance for Hereditary diffuse gastric adenocarcinoma. Last evaluated: 2024-01-03. Review status: criteria provided, single submitter. Criteria: Invitae Variant Classification Sherloc (09022015). Collection method: clinical testing. Allele origin: germline.
Comment: This sequence change replaces glycine, which is neutral and non-polar, with serine, which is neutral and polar, at codon 760 of the CDH1 protein (p.Gly760Ser). This variant is not present in population databases (gnomAD no frequency). This variant has not been reported in the literature in individuals affected with CDH1-related conditions. ClinVar contains an entry for this variant (Variation ID: 1041474). An algorithm developed to predict the effect of missense changes on protein structure and function (PolyPhen-2) suggests that this variant is likely to be disruptive. In summary, the available evidence is currently insufficient to determine the role of this variant in disease. Therefore, it has been classified as a Variant of Uncertain Significance.